The following is an entry in ClinVar:

NM_002693.3(POLG):c.1415A>G (p.Gln472Arg)

Gene: POLG (DNA polymerase gamma, catalytic subunit; minus strand). Cytogenetic location: 15q26.1.
Variant type: single nucleotide variant.
Coding change: c.1415A>G on transcript NM_002693.3 (MANE Select); coding-DNA position 1415, A replaced by G.
Protein change: p.Gln472Arg; replaces glutamine 472 with arginine.
Molecular consequence: missense variant.
Genome position (GRCh38, 1-based): chr15:89,327,185, T>C on the plus strand (A>G on the coding strand, the complement: POLG is on the minus strand). VCF-style: chr15-89327185-T-C. GRCh37 (hg19) VCF-style: chr15-89870416-T-C.
Other names: c.1415A>G, p.Gln472Arg (NM_001126131.2); short protein forms Q472R.
Identifiers: ClinVar variation 3705459 (VCV003705459.2).

ClinVar aggregate classification (germline): Uncertain significance (1 of 4 stars; one submission).

Conditions:
Progressive sclerosing poliodystrophy (MTDPS4A). Also called: ALPERS PROGRESSIVE INFANTILE POLIODYSTROPHY; NEURONAL DEGENERATION OF CHILDHOOD WITH LIVER DISEASE, PROGRESSIVE; Alpers Syndrome; ALPERS DIFFUSE DEGENERATION OF CEREBRAL GRAY MATTER WITH HEPATIC CIRRHOSIS; Alpers-Huttenlocher Syndrome; Mitochondrial DNA depletion syndrome 4A (Alpers type). Identifiers: Orphanet 726, MedGen C0205710, MONDO:0008758, OMIM 203700.

gnomAD v4.1: 1 of 1,614,236 alleles (0.000062%); no homozygotes.

Submission:

Labcorp Genetics (formerly Invitae), Labcorp
Classification: Uncertain significance for Progressive sclerosing poliodystrophy. Last evaluated: 2026-01-01. Review status: criteria provided, single submitter. Criteria: Invitae Variant Classification Sherloc (09022015). Collection method: clinical testing. Allele origin: germline.
Comment: This sequence change replaces glutamine, which is neutral and polar, with arginine, which is basic and polar, at codon 472 of the POLG protein (p.Gln472Arg). This variant is not present in population databases (gnomAD no frequency). This variant has not been reported in the literature in individuals affected with POLG-related conditions. ClinVar contains an entry for this variant (Variation ID: 3705459). Invitae Evidence Modeling of protein sequence and biophysical properties (such as structural, functional, and spatial information, amino acid conservation, physicochemical variation, residue mobility, and thermodynamic stability) indicates that this missense variant is not expected to disrupt POLG protein function with a negative predictive value of 95%. In summary, the available evidence is currently insufficient to determine the role of this variant in disease. Therefore, it has been classified as a Variant of Uncertain Significance.